The following is an entry in ClinVar:

NM_001369369.1(FOXN1):c.415G>A (p.Glu139Lys)

Gene: FOXN1 (forkhead box N1; plus strand). Cytogenetic location: 17q11.2.
Variant type: single nucleotide variant.
Coding change: c.415G>A on transcript NM_001369369.1 (MANE Select); coding-DNA position 415, G replaced by A.
Protein change: p.Glu139Lys; replaces glutamic acid 139 with lysine.
Molecular consequence: missense variant.
Genome position (GRCh38, 1-based): chr17:28,524,794, G>A. VCF-style: chr17-28524794-G-A. GRCh37 (hg19) VCF-style: chr17-26851812-G-A.
Other names: c.415G>A, p.Glu139Lys (NM_003593.3); c.415G>A (NM_003593.2); short protein forms E139K.
Identifiers: ClinVar variation 1414338 (VCV001414338.6), dbSNP rs367663123, ClinGen allele CA8459223.

ClinVar aggregate classification (germline): Uncertain significance. Review status: criteria provided, multiple submitters, no conflicts (2 of 4 stars). 2 submissions from 2 submitters: Uncertain significance (2). Last evaluated 2025-06-27.

Conditions:
FOXN1-related disorder. Also called: FOXN1-related condition.
T-cell immunodeficiency, congenital alopecia, and nail dystrophy. Also called: Congenital alopecia and nail dystrophy associated with severe functional T-cell immunodeficiency; Pignata Guarino syndrome. Identifiers: Orphanet 169095, MedGen C1866426, MONDO:0011132, OMIM 601705.

Allele frequency attached by ClinVar (database versions not stated): ExAC 0.00001; gnomAD exomes 0.00001; gnomAD 0.00002; TOPMed 0.00005; ESP Exome Variant Server 0.00008.
gnomAD v4.1: 18 of 1,613,466 alleles (0.0011%); highest among the groups gnomAD compares: African/African-American, 0.0053%; no homozygotes.

Submissions (2):

Labcorp Genetics (formerly Invitae), Labcorp
Classification: Uncertain significance for T-cell immunodeficiency, congenital alopecia, and nail dystrophy. Last evaluated: 2025-06-27. Review status: criteria provided, single submitter. Criteria: Invitae Variant Classification Sherloc (09022015). Collection method: clinical testing. Allele origin: germline.
Comment: This sequence change replaces glutamic acid, which is acidic and polar, with lysine, which is basic and polar, at codon 139 of the FOXN1 protein (p.Glu139Lys). This variant is present in population databases (rs367663123, gnomAD 0.01%). This variant has not been reported in the literature in individuals affected with FOXN1-related conditions. ClinVar contains an entry for this variant (Variation ID: 1414338). Invitae Evidence Modeling of protein sequence and biophysical properties (such as structural, functional, and spatial information, amino acid conservation, physicochemical variation, residue mobility, and thermodynamic stability) indicates that this missense variant is not expected to disrupt FOXN1 protein function with a negative predictive value of 80%. In summary, the available evidence is currently insufficient to determine the role of this variant in disease. Therefore, it has been classified as a Variant of Uncertain Significance.

PreventionGenetics, part of Exact Sciences
Classification: Uncertain significance for FOXN1-related condition. Last evaluated: 2025-01-02. Review status: criteria provided, single submitter. Criteria: ACMG Guidelines, 2015. Collection method: clinical testing. Allele origin: germline.
Comment: The FOXN1 c.415G>A variant is predicted to result in the amino acid substitution p.Glu139Lys. To our knowledge, this variant has not been reported in the literature. This variant is reported in 0.012% of alleles in individuals of African descent in gnomAD. At this time, the clinical significance of this variant is uncertain due to the absence of conclusive functional and genetic evidence.